The following is an entry in ClinVar:

ClinVar aggregate classification (germline): Conflicting classifications of pathogenicity. Review status: criteria provided, conflicting classifications (1 of 4 stars). 2 submissions from 2 submitters: Uncertain significance (1); Likely benign (1). Last evaluated 2025-10-07.

Conditions:
Kabuki syndrome. Also called: NIIKAWA-KUROKI SYNDROME; Kabuki make-up syndrome. Identifiers: Orphanet 2322, MedGen C0796004, MONDO:0016512.

Allele frequency attached by ClinVar (database versions not stated): gnomAD 0.00001; TOPMed 0.00001.
gnomAD v4.1: 7 of 1,550,918 alleles (0.00045%); highest among the groups gnomAD compares: East Asian, 0.0049%; no homozygotes.

Submissions (2):

Labcorp Genetics (formerly Invitae), Labcorp
Classification: Uncertain significance for Kabuki syndrome. Last evaluated: 2025-10-07. Review status: criteria provided, single submitter. Criteria: Invitae Variant Classification Sherloc (09022015). Collection method: clinical testing. Allele origin: germline.
Comment: This sequence change replaces arginine, which is basic and polar, with tryptophan, which is neutral and slightly polar, at codon 3833 of the KMT2D protein (p.Arg3833Trp). This variant is not present in population databases (gnomAD no frequency). This variant has not been reported in the literature in individuals affected with KMT2D-related conditions. ClinVar contains an entry for this variant (Variation ID: 2672499). Invitae Evidence Modeling of protein sequence and biophysical properties (such as structural, functional, and spatial information, amino acid conservation, physicochemical variation, residue mobility, and thermodynamic stability) indicates that this missense variant is not expected to disrupt KMT2D protein function with a negative predictive value of 95%. In summary, the available evidence is currently insufficient to determine the role of this variant in disease. Therefore, it has been classified as a Variant of Uncertain Significance.

CeGaT Center for Human Genetics Tuebingen
Classification: Likely benign. Last evaluated: 2023-11-01. Review status: criteria provided, single submitter. Criteria: CeGaT Center For Human Genetics Tuebingen Variant Classification Criteria Version 2. Collection method: clinical testing. Allele origin: germline. Affected: yes. Observed: 1 variant allele.
Comment: KMT2D: BP4

NM_003482.4(KMT2D):c.11497C>T (p.Arg3833Trp)

Gene: KMT2D (lysine methyltransferase 2D; minus strand). Cytogenetic location: 12q13.12.
Variant type: single nucleotide variant.
Coding change: c.11497C>T on transcript NM_003482.4 (MANE Select); coding-DNA position 11497, C replaced by T.
Protein change: p.Arg3833Trp; replaces arginine 3833 with tryptophan.
Molecular consequence: missense variant.
Genome position (GRCh38, 1-based): chr12:49,033,208, G>A on the plus strand (C>T on the coding strand, the complement: KMT2D is on the minus strand). VCF-style: chr12-49033208-G-A. GRCh37 (hg19) VCF-style: chr12-49426991-G-A.
Other names: short protein forms R3833W.
Identifiers: ClinVar variation 2672499 (VCV002672499.25), dbSNP rs1002386392, ClinGen allele CA236640026.